The following is an entry in ClinVar:

ClinVar aggregate classification (germline): Uncertain significance (1 of 4 stars; one submission).

Conditions:
Frasier syndrome. Identifiers: Orphanet 347, MedGen C0950122, MeSH D052159, MONDO:0007635, OMIM 136680.
Wilms tumor 1 (WT1). Also called: Wilms tumor, somatic. Identifiers: Orphanet 654, MedGen CN033288, MONDO:0008679, OMIM 194070.
11p partial monosomy syndrome (WAGR). Also called: WAGR Complex; WAGR syndrome; CHROMOSOME 11p13 DELETION SYNDROME; WAGR Spectrum Disorder. Identifiers: Orphanet 893, MedGen C0206115, MONDO:0008681, OMIM 194072.
Drash syndrome (DDS). Also called: NEPHROPATHY, WILMS TUMOR, AND GENITAL ANOMALIES; WILMS TUMOR AND PSEUDO- OR TRUE HERMAPHRODITISM. Identifiers: Orphanet 220, MedGen C0950121, MONDO:0008682, OMIM 194080.

Submission:

Labcorp Genetics (formerly Invitae), Labcorp
Classification: Uncertain significance for Wilms tumor 1; Drash syndrome; 11p partial monosomy syndrome; Frasier syndrome. Last evaluated: 2020-02-10. Review status: criteria provided, single submitter. Criteria: Invitae Variant Classification Sherloc (09022015). Collection method: clinical testing. Allele origin: germline.
Comment: This variant is not present in population databases (ExAC no frequency). This sequence change replaces threonine with proline at codon 221 of the WT1 protein (p.Thr221Pro). The threonine residue is highly conserved and there is a small physicochemical difference between threonine and proline. This variant has not been reported in the literature in individuals with WT1-related conditions. Algorithms developed to predict the effect of missense changes on protein structure and function are either unavailable or do not agree on the potential impact of this missense change (SIFT: "Deleterious"; PolyPhen-2: "Benign"; Align-GVGD: "Class C0"). In summary, the available evidence is currently insufficient to determine the role of this variant in disease. Therefore, it has been classified as a Variant of Uncertain Significance.

NM_024426.6(WT1):c.676A>C (p.Thr226Pro)

Gene: WT1 (WT1 transcription factor; minus strand). Cytogenetic location: 11p13.
Variant type: single nucleotide variant.
Coding change: c.676A>C on transcript NM_024426.6 (MANE Select); coding-DNA position 676, A replaced by C.
Protein change: p.Thr226Pro; replaces threonine 226 with proline.
Molecular consequence: missense variant. On other transcripts: non-coding transcript variant (1).
Genome position (GRCh38, 1-based): chr11:32,428,605, T>G on the plus strand (A>C on the coding strand, the complement: WT1 is on the minus strand). VCF-style: chr11-32428605-T-G. GRCh37 (hg19) VCF-style: chr11-32450151-T-G.
Other names: c.676A>C, p.Thr226Pro (NM_000378.6, NM_001407044.1, NM_001407045.1 and 4 more transcripts); c.25A>C, p.Thr9Pro (NM_001198551.2, NM_001198552.2); c.-87A>C (NM_001407051.1); c.661A>C, p.Thr221Pro (NM_024425.2); short protein forms T226P, T9P, T221P.
Identifiers: ClinVar variation 1014026 (VCV001014026.13), dbSNP rs1853150433, ClinGen allele CA379963581.